The following is an entry in ClinVar:

ClinVar aggregate classification (germline): Conflicting classifications of pathogenicity. Review status: criteria provided, conflicting classifications (1 of 4 stars). 3 submissions from 3 submitters: Uncertain significance (2); Likely benign (1). Last evaluated 2026-02-25.

Conditions:
Inborn genetic diseases. Identifiers: MedGen C0950123, MeSH D030342.
Idiopathic generalized epilepsy. Also called: Generalised epilepsy; EIG. Identifiers: MedGen C0270850, MONDO:0005579, OMIM 600669.

Allele frequency attached by ClinVar (database versions not stated): gnomAD 0.00001; gnomAD exomes 0.00005; TOPMed 0.00006.
gnomAD v4.1: 31 of 1,575,328 alleles (0.002%); highest among the groups gnomAD compares: Admixed American, 0.055%; no homozygotes.

Submissions (3):

Women's Health and Genetics/Laboratory Corporation of America, LabCorp
Classification: Uncertain significance. Last evaluated: 2026-02-25. Review status: criteria provided, single submitter. Criteria: LabCorp Variant Classification Summary - May 2015. Collection method: clinical testing. Allele origin: germline.
Comment: Variant summary: GABRD c.1229G>T (p.Gly410Val) results in a non-conservative amino acid change in the encoded protein sequence. Algorithms developed to predict the effect of missense changes on protein structure and function are either unavailable or do not agree on the potential impact of this missense change. The variant allele was found at a frequency of 0.00014 in 220038 control chromosomes. This frequency is not significantly higher than estimated for disease-causing variants in GABRD, allowing no conclusion about variant significance. To our knowledge, no occurrence of c.1229G>T in individuals affected with GABRD-related conditions and no experimental evidence demonstrating its impact on protein function have been reported. ClinVar contains an entry for this variant (Variation ID: 1090698). Based on the evidence outlined above, the variant was classified as uncertain significance.

Labcorp Genetics (formerly Invitae), Labcorp
Classification: Likely benign for Idiopathic generalized epilepsy. Last evaluated: 2026-01-03. Review status: criteria provided, single submitter. Criteria: Invitae Variant Classification Sherloc (09022015). Collection method: clinical testing. Allele origin: germline.

Ambry Genetics
Classification: Uncertain significance for Inborn genetic diseases. Last evaluated: 2024-07-06. Review status: criteria provided, single submitter. Criteria: Ambry Variant Classification Scheme 2023. Collection method: clinical testing. Allele origin: germline.

NM_000815.5(GABRD):c.1229G>T (p.Gly410Val)

Gene: GABRD (gamma-aminobutyric acid type A receptor subunit delta; plus strand). Cytogenetic location: 1p36.33.
Variant type: single nucleotide variant.
Coding change: c.1229G>T on transcript NM_000815.5 (MANE Select); coding-DNA position 1229, G replaced by T.
Protein change: p.Gly410Val; replaces glycine 410 with valine.
Molecular consequence: missense variant.
Genome position (GRCh38, 1-based): chr1:2,030,152, G>T. VCF-style: chr1-2030152-G-T. GRCh37 (hg19) VCF-style: chr1-1961591-G-T.
Other names: c.1229G>T (NM_000815.4); short protein forms G410V.
Identifiers: ClinVar variation 1090698 (VCV001090698.11), dbSNP rs200605909, ClinGen allele CA534954.
Genomic context (GRCh38, chr1:2,030,152, plus strand): 5'-CCTACAGGTCGGTGGGGGTGGAGACAGGGGAGACGAAGAAGGAGGGGGCAGCCCGCTCAG[G>T]AGGCCAGGGGGGCATCCGTGCCCGGCTCAGGCCCATCGACGCAGACACCATTGACATTTA-3'
Protein context (NP_000806.2, residues 400-420): ETKKEGAARS[Gly410Val]GQGGIRARLR